The following is an entry in ClinVar:

ClinVar aggregate classification (germline): Uncertain significance. Review status: criteria provided, multiple submitters, no conflicts (2 of 4 stars). 2 submissions from 2 submitters: Uncertain significance (2). Last evaluated 2025-08-02.

Conditions:
Inborn genetic diseases. Identifiers: MedGen C0950123, MeSH D030342.
Lipoic acid synthetase deficiency. Also called: HYPERGLYCINEMIA, LACTIC ACIDOSIS, AND SEIZURES. Identifiers: Orphanet 401859, MedGen C3280887, MONDO:0013762, OMIM 614462.

Allele frequency attached by ClinVar (database versions not stated): TOPMed below 0.00001; ExAC 0.00001; gnomAD exomes 0.00001; gnomAD 0.00002 and 0.00003; 1000 Genomes Project 0.00020; 1000 Genomes Project 30x 0.00031.
gnomAD v4.1: 13 of 1,607,240 alleles (0.00081%); highest among the groups gnomAD compares: Admixed American, 0.02%; no homozygotes.

Submissions (2):

Ambry Genetics
Classification: Uncertain significance for Inborn genetic diseases. Last evaluated: 2025-08-02. Review status: criteria provided, single submitter. Criteria: Ambry Variant Classification Scheme 2023. Collection method: clinical testing. Allele origin: germline.

Labcorp Genetics (formerly Invitae), Labcorp
Classification: Uncertain significance for Lipoic acid synthetase deficiency. Last evaluated: 2021-09-05. Review status: criteria provided, single submitter. Criteria: Invitae Variant Classification Sherloc (09022015). Collection method: clinical testing. Allele origin: germline.
Comment: This sequence change replaces lysine with arginine at codon 34 of the LIAS protein (p.Lys34Arg). The lysine residue is weakly conserved and there is a small physicochemical difference between lysine and arginine. This variant is present in population databases (rs185737442, ExAC 0.009%). This variant has not been reported in the literature in individuals affected with LIAS-related conditions. Algorithms developed to predict the effect of missense changes on protein structure and function (SIFT, PolyPhen-2, Align-GVGD) all suggest that this variant is likely to be tolerated. In summary, the available evidence is currently insufficient to determine the role of this variant in disease. Therefore, it has been classified as a Variant of Uncertain Significance.

NM_006859.4(LIAS):c.101A>G (p.Lys34Arg)

Gene: LIAS (lipoic acid synthetase; plus strand). Cytogenetic location: 4p14.
Variant type: single nucleotide variant.
Coding change: c.101A>G on transcript NM_006859.4 (MANE Select); coding-DNA position 101, A replaced by G.
Protein change: p.Lys34Arg; replaces lysine 34 with arginine.
Molecular consequence: missense variant.
Genome position (GRCh38, 1-based): chr4:39,460,845, A>G. VCF-style: chr4-39460845-A-G. GRCh37 (hg19) VCF-style: chr4-39462465-A-G.
Other names: c.101A>G, p.Lys34Arg (NM_001278590.2, NM_001278591.2, NM_001278592.2 and 2 more transcripts); c.101A>G (NM_006859.2); short protein forms K34R.
Identifiers: ClinVar variation 1007275 (VCV001007275.5), dbSNP rs185737442, ClinGen allele CA2894581.
Genomic context (GRCh38, chr4:39,460,845, plus strand): 5'-TTTAGGTATTTGGGAGATATTTTTGCAGCCCAGTCAGACCGTTAAGCTCCTTGCCAGATA[A>G]AAAAAAGGAACTCCTACAGAATGGACCAGACCTTCAAGATTTTGTATCTGGTGATCTTGC-3'
Protein context (NP_006850.2, residues 24-44): PVRPLSSLPD[Lys34Arg]KKELLQNGPD